The following is an entry in ClinVar:

NM_000302.4(PLOD1):c.449G>C (p.Arg150Thr)

Gene: PLOD1 (procollagen-lysine,2-oxoglutarate 5-dioxygenase 1; plus strand). Cytogenetic location: 1p36.22.
Variant type: single nucleotide variant.
Coding change: c.449G>C on transcript NM_000302.4 (MANE Select); coding-DNA position 449, G replaced by C.
Protein change: p.Arg150Thr; replaces arginine 150 with threonine.
Molecular consequence: missense variant.
Genome position (GRCh38, 1-based): chr1:11,950,503, G>C. VCF-style: chr1-11950503-G-C. GRCh37 (hg19) VCF-style: chr1-12010560-G-C.
Other names: c.590G>C, p.Arg197Thr (NM_001316320.2); short protein forms R197T, R150T.
Identifiers: ClinVar variation 2450252 (VCV002450252.2), dbSNP rs753061220, ClinGen allele CA597894.

ClinVar aggregate classification (germline): Uncertain significance (1 of 4 stars; one submission).

Conditions:
Familial thoracic aortic aneurysm and aortic dissection (TAAD). Also called: Thoracic aortic aneurysms and dissections. Identifiers: Orphanet 91387, MedGen C4707243, MONDO:0019625.

Allele frequency attached by ClinVar (database versions not stated): TOPMed below 0.00001.
gnomAD v4.1: 3 of 1,614,028 alleles (0.00019%); highest among the groups gnomAD compares: Admixed American, 0.0033%; no homozygotes.

Submission:

Ambry Genetics
Classification: Uncertain significance for Familial thoracic aortic aneurysm and aortic dissection. Last evaluated: 2023-02-12. Review status: criteria provided, single submitter. Criteria: Ambry Variant Classification Scheme 2023. Collection method: clinical testing. Allele origin: germline.
Comment: The p.R150T variant (also known as c.449G>C), located in coding exon 4 of the PLOD1 gene, results from a G to C substitution at nucleotide position 449. The arginine at codon 150 is replaced by threonine, an amino acid with similar properties. This amino acid position is conserved. In addition, this alteration is predicted to be deleterious by in silico analysis. Since supporting evidence is limited at this time, the clinical significance of this alteration remains unclear.